The following is an entry in ClinVar:

NM_001378743.1(CYLD):c.2109-10G>A

Genes: CYLD (CYLD lysine 63 deubiquitinase; plus strand), CYLD-AS2 (CYLD antisense RNA 2; minus strand). Cytogenetic location: 16q12.1.
Variant type: single nucleotide variant.
Coding change: c.2109-10G>A on transcript NM_001378743.1 (MANE Select); 10 bases into the intron before coding-DNA position 2109, G replaced by A.
Molecular consequence: intron variant.
Genome position (GRCh38, 1-based): chr16:50,791,548, G>A. VCF-style: chr16-50791548-G-A. GRCh37 (hg19) VCF-style: chr16-50825459-G-A.
Other names: c.2109-10G>A (NM_015247.3); c.2100-10G>A (NM_001378745.1, NM_001378744.1, NM_001042355.2 and 7 more transcripts); c.2070-10G>A (NM_001378753.1, NM_001378751.1, NM_001378752.1); c.1434-10G>A (NM_001378754.1, NM_001378755.1).
Identifiers: ClinVar variation 319505 (VCV000319505.13), dbSNP rs11865799, ClinGen allele CA8052560.
Genomic context (GRCh38, chr16:50,791,548, plus strand): 5'-ACAACTTAACATTTTGATTTAAGCATTTGATAAATAGGTTGTATGTATTTTTTTCTCTGC[G>A]TGTTTTTAGATCAGCAGGTCAAAAGGTACAAGATTGTTACTTCTATCAAATTTTTATGGA-3'

ClinVar aggregate classification (germline): Benign. Review status: criteria provided, multiple submitters, no conflicts (2 of 4 stars). 7 submissions from 5 submitters: Benign (7). Last evaluated 2025-12-14.

Conditions:
Familial cylindromatosis. Also called: Turban tumor syndrome; ANCELL-SPIEGLER CYLINDROMAS. Identifiers: Orphanet 211, Orphanet 79493, MedGen C1851526, MONDO:0007565, OMIM 132700.
Brooke-Spiegler syndrome. Also called: CYLD Cutaneous Syndrome. Identifiers: Orphanet 79493, MedGen C1857941, MONDO:0011512, OMIM 605041.
Familial multiple trichoepitheliomata. Also called: Familial multiple trichoepithelioma. Identifiers: Orphanet 79493, Orphanet 867, MedGen C1275122, MONDO:0011114.
Trichoepithelioma, multiple familial, 1 (MFT1). Also called: EPITHELIOMA ADENOIDES CYSTICUM OF BROOKE; EPITHELIOMA, HEREDITARY MULTIPLE BENIGN CYSTIC; BROOKE-FORDYCE TRICHOEPITHELIOMAS. Identifiers: MedGen CN296585, MONDO:0042977, OMIM 601606.

Allele frequency attached by ClinVar (database versions not stated): gnomAD exomes 0.00596 and 0.01348; ExAC 0.01646; gnomAD 0.05141 and 0.05482; 1000 Genomes Project 0.05351; ESP Exome Variant Server 0.05465; TOPMed 0.05879; 1000 Genomes Project 30x 0.05949.
gnomAD v4.1: 16,821 of 1,613,156 alleles (1%); highest among the groups gnomAD compares: African/African-American, 18%; 1,208 homozygotes.

Submissions (32):

Labcorp Genetics (formerly Invitae), Labcorp
Classification: Benign. Last evaluated: 2025-12-14. Review status: criteria provided, single submitter. Criteria: Invitae Variant Classification Sherloc (09022015). Collection method: clinical testing. Allele origin: germline.

KCCC/NGS Laboratory, Kuwait Cancer Control Center
Classification: Benign for Trichoepithelioma, multiple familial, 1. Last evaluated: 2023-07-07. Review status: criteria provided, single submitter. Criteria: ACMG Guidelines, 2015. Collection method: clinical testing. Allele origin: germline. Affected: yes.

GeneDx
Classification: Benign. Last evaluated: 2018-06-22. Review status: criteria provided, single submitter. Criteria: GeneDx Variant Classification Process June 2021. Collection method: clinical testing. Allele origin: germline. Affected: yes.

Illumina Laboratory Services, Illumina
Classification: Benign for Familial cylindromatosis. Last evaluated: 2018-01-13. Review status: criteria provided, single submitter. Criteria: ICSL Variant Classification Criteria 13 December 2019. Collection method: clinical testing. Allele origin: germline.
Comment: This variant was observed in the ICSL laboratory as part of a predisposition screen in an ostensibly healthy population. It had not been previously curated by ICSL or reported in the Human Gene Mutation Database (HGMD: prior to June 1st, 2018), and was therefore a candidate for classification through an automated scoring system. Utilizing variant allele frequency, disease prevalence and penetrance estimates, and inheritance mode, an automated score was calculated to assess if this variant is too frequent to cause the disease. Based on the score and internal cut-off values, a variant classified as benign is not then subjected to further curation. The score for this variant resulted in a classification of benign for this disease.

Illumina Laboratory Services, Illumina
Classification: Benign for Brooke-Spiegler syndrome. Last evaluated: 2018-01-13. Review status: criteria provided, single submitter. Criteria: ICSL Variant Classification Criteria 13 December 2019. Collection method: clinical testing. Allele origin: germline.
Comment: the same text as in the submission from Illumina Laboratory Services, Illumina above.

Illumina Laboratory Services, Illumina
Classification: Benign for Trichoepithelioma, multiple familial, 1. Last evaluated: 2018-01-13. Review status: criteria provided, single submitter. Criteria: ICSL Variant Classification Criteria 13 December 2019. Collection method: clinical testing. Allele origin: germline.
Comment: the same text as in the submission from Illumina Laboratory Services, Illumina above.

Breakthrough Genomics
Classification: Benign. Review status: criteria provided, single submitter. Criteria: ACMG Guidelines, 2015. Collection method: not provided. Allele origin: germline. Inheritance: Autosomal dominant inheritance. Affected: yes.

Dr. Peter K. Rogan Lab, Western University
No classification provided (evidence only). Condition: Lung cancer. Review status: no classification provided. Collection method: in vitro. Allele origin: not applicable. Functional consequence: retained intron. Not counted in ClinVar's aggregate classification.

Dr. Peter K. Rogan Lab, Western University
No classification provided (evidence only). Condition: Lung cancer. Review status: no classification provided. Collection method: in vitro. Allele origin: not applicable. Functional consequence: retained intron. Not counted in ClinVar's aggregate classification.

Dr. Peter K. Rogan Lab, Western University
No classification provided (evidence only). Condition: Lung cancer. Review status: no classification provided. Collection method: in vitro. Allele origin: not applicable. Functional consequence: retained intron. Not counted in ClinVar's aggregate classification.

Dr. Peter K. Rogan Lab, Western University
No classification provided (evidence only). Condition: Acute myeloid leukemia. Review status: no classification provided. Collection method: in vitro. Allele origin: not applicable. Functional consequence: retained intron. Not counted in ClinVar's aggregate classification.

Dr. Peter K. Rogan Lab, Western University
No classification provided (evidence only). Condition: Acute myeloid leukemia. Review status: no classification provided. Collection method: in vitro. Allele origin: not applicable. Functional consequence: retained intron. Not counted in ClinVar's aggregate classification.

Dr. Peter K. Rogan Lab, Western University
No classification provided (evidence only). Condition: Acute myeloid leukemia. Review status: no classification provided. Collection method: in vitro. Allele origin: not applicable. Functional consequence: retained intron. Not counted in ClinVar's aggregate classification.

Dr. Peter K. Rogan Lab, Western University
No classification provided (evidence only). Condition: Acute myeloid leukemia. Review status: no classification provided. Collection method: in vitro. Allele origin: not applicable. Functional consequence: retained intron. Not counted in ClinVar's aggregate classification.

Dr. Peter K. Rogan Lab, Western University
No classification provided (evidence only). Condition: Acute myeloid leukemia. Review status: no classification provided. Collection method: in vitro. Allele origin: not applicable. Functional consequence: retained intron. Not counted in ClinVar's aggregate classification.

Dr. Peter K. Rogan Lab, Western University
No classification provided (evidence only). Condition: Acute myeloid leukemia. Review status: no classification provided. Collection method: in vitro. Allele origin: not applicable. Functional consequence: retained intron. Not counted in ClinVar's aggregate classification.

Dr. Peter K. Rogan Lab, Western University
No classification provided (evidence only). Condition: Cervical cancer. Review status: no classification provided. Collection method: in vitro. Allele origin: not applicable. Functional consequence: retained intron. Not counted in ClinVar's aggregate classification.

Dr. Peter K. Rogan Lab, Western University
No classification provided (evidence only). Condition: Cervical cancer. Review status: no classification provided. Collection method: in vitro. Allele origin: not applicable. Functional consequence: retained intron. Not counted in ClinVar's aggregate classification.

Dr. Peter K. Rogan Lab, Western University
No classification provided (evidence only). Condition: Cervical cancer. Review status: no classification provided. Collection method: in vitro. Allele origin: not applicable. Functional consequence: retained intron. Not counted in ClinVar's aggregate classification.

Dr. Peter K. Rogan Lab, Western University
No classification provided (evidence only). Condition: Cervical cancer. Review status: no classification provided. Collection method: in vitro. Allele origin: not applicable. Functional consequence: retained intron. Not counted in ClinVar's aggregate classification.

Dr. Peter K. Rogan Lab, Western University
No classification provided (evidence only). Condition: Cervical cancer. Review status: no classification provided. Collection method: in vitro. Allele origin: not applicable. Functional consequence: retained intron. Not counted in ClinVar's aggregate classification.

Dr. Peter K. Rogan Lab, Western University
No classification provided (evidence only). Condition: Sarcoma. Review status: no classification provided. Collection method: in vitro. Allele origin: not applicable. Functional consequence: retained intron. Not counted in ClinVar's aggregate classification.

Dr. Peter K. Rogan Lab, Western University
No classification provided (evidence only). Condition: Sarcoma. Review status: no classification provided. Collection method: in vitro. Allele origin: not applicable. Functional consequence: retained intron. Not counted in ClinVar's aggregate classification.

Dr. Peter K. Rogan Lab, Western University
No classification provided (evidence only). Condition: Sarcoma. Review status: no classification provided. Collection method: in vitro. Allele origin: not applicable. Functional consequence: retained intron. Not counted in ClinVar's aggregate classification.

Dr. Peter K. Rogan Lab, Western University
No classification provided (evidence only). Condition: Thymoma. Review status: no classification provided. Collection method: in vitro. Allele origin: not applicable. Functional consequence: retained intron. Not counted in ClinVar's aggregate classification.

Dr. Peter K. Rogan Lab, Western University
No classification provided (evidence only). Condition: Thymoma. Review status: no classification provided. Collection method: in vitro. Allele origin: not applicable. Functional consequence: retained intron. Not counted in ClinVar's aggregate classification.

Dr. Peter K. Rogan Lab, Western University
No classification provided (evidence only). Condition: Gastric cancer. Review status: no classification provided. Collection method: in vitro. Allele origin: not applicable. Functional consequence: retained intron. Not counted in ClinVar's aggregate classification.

Dr. Peter K. Rogan Lab, Western University
No classification provided (evidence only). Condition: Gastric cancer. Review status: no classification provided. Collection method: in vitro. Allele origin: not applicable. Functional consequence: retained intron. Not counted in ClinVar's aggregate classification.

Dr. Peter K. Rogan Lab, Western University
No classification provided (evidence only). Condition: Gastric cancer. Review status: no classification provided. Collection method: in vitro. Allele origin: not applicable. Functional consequence: retained intron. Not counted in ClinVar's aggregate classification.

Dr. Peter K. Rogan Lab, Western University
No classification provided (evidence only). Condition: Malignant tumor of esophagus. Review status: no classification provided. Collection method: in vitro. Allele origin: not applicable. Functional consequence: retained intron. Not counted in ClinVar's aggregate classification.

Dr. Peter K. Rogan Lab, Western University
No classification provided (evidence only). Condition: Malignant tumor of esophagus. Review status: no classification provided. Collection method: in vitro. Allele origin: not applicable. Functional consequence: retained intron. Not counted in ClinVar's aggregate classification.

Dr. Peter K. Rogan Lab, Western University
No classification provided (evidence only). Condition: Malignant tumor of esophagus. Review status: no classification provided. Collection method: in vitro. Allele origin: not applicable. Functional consequence: retained intron. Not counted in ClinVar's aggregate classification.